The following is an entry in ClinVar:

ClinVar aggregate classification (germline): Benign (0 of 4 stars; one submission).

Conditions:
EFCAB5-related disorder. Also called: EFCAB5-related condition.

Allele frequency attached by ClinVar (database versions not stated): gnomAD exomes 0.00011; gnomAD 0.00027; TOPMed 0.00027; ExAC 0.00055; 1000 Genomes Project 0.00200; 1000 Genomes Project 30x 0.00234.
gnomAD v4.1: 200 of 1,613,568 alleles (0.012%); highest among the groups gnomAD compares: East Asian, 0.42%; no homozygotes.

Submissions (3):

PreventionGenetics, part of Exact Sciences
Classification: Benign for EFCAB5-related condition. Last evaluated: 2019-03-21. Review status: no assertion criteria provided. Collection method: clinical testing. Allele origin: germline.
Comment: This variant is classified as benign based on ACMG/AMP sequence variant interpretation guidelines (Richards et al. 2015 PMID: 25741868, with internal and published modifications).

Dr. Peter K. Rogan Lab, Western University
No classification provided (evidence only). Condition: Thymoma. Review status: no classification provided. Collection method: in vitro. Allele origin: not applicable. Functional consequence: retained intron. Not counted in ClinVar's aggregate classification.

Dr. Peter K. Rogan Lab, Western University
No classification provided (evidence only). Condition: Malignant tumor of esophagus. Review status: no classification provided. Collection method: in vitro. Allele origin: not applicable. Functional consequence: retained intron. Not counted in ClinVar's aggregate classification.

NM_198529.4(EFCAB5):c.2399G>T (p.Cys800Phe)

Gene: EFCAB5 (EF-hand calcium binding domain 5; plus strand). Cytogenetic location: 17q11.2.
Variant type: single nucleotide variant.
Coding change: c.2399G>T on transcript NM_198529.4 (MANE Select); coding-DNA position 2399, G replaced by T.
Protein change: p.Cys800Phe; replaces cysteine 800 with phenylalanine.
Molecular consequence: missense variant. On other transcripts: non-coding transcript variant (1).
Genome position (GRCh38, 1-based): chr17:30,057,709, G>T. VCF-style: chr17-30057709-G-T. GRCh37 (hg19) VCF-style: chr17-28384727-G-T.
Other names: NC_000017.10:g.28384727G>T; c.2231G>T, p.Cys744Phe (NM_001145053.2); short protein forms C744F, C800F.
Identifiers: ClinVar variation 3051111 (VCV003051111.3), dbSNP rs190825078, ClinGen allele CA8479007.